The following is an entry in ClinVar:

ClinVar aggregate classification (germline): Uncertain significance. Review status: criteria provided, multiple submitters, no conflicts (2 of 4 stars). 2 submissions from 2 submitters: Uncertain significance (2). Last evaluated 2022-05-27.

Conditions:
Dystonic disorder. Also called: Dystonia. Identifiers: MedGen C0013421, MONDO:0003441, HP:0001332.

Submissions (2):

Labcorp Genetics (formerly Invitae), Labcorp
Classification: Uncertain significance for Dystonic disorder. Last evaluated: 2022-05-27. Review status: criteria provided, single submitter. Criteria: Invitae Variant Classification Sherloc (09022015). Collection method: clinical testing. Allele origin: germline.
Comment: This sequence change replaces glutamic acid, which is acidic and polar, with aspartic acid, which is acidic and polar, at codon 774 of the CIZ1 protein (p.Glu774Asp). This variant is not present in population databases (gnomAD no frequency). This variant has not been reported in the literature in individuals affected with CIZ1-related conditions. Algorithms developed to predict the effect of missense changes on protein structure and function output the following: SIFT: "Deleterious"; PolyPhen-2: "Benign"; Align-GVGD: "Class C35". The aspartic acid amino acid residue is found in multiple mammalian species, which suggests that this missense change does not adversely affect protein function. In summary, the available evidence is currently insufficient to determine the role of this variant in disease. Therefore, it has been classified as a Variant of Uncertain Significance.

Ambry Genetics
Classification: Uncertain significance. Last evaluated: 2021-08-02. Review status: criteria provided, single submitter. Criteria: Ambry Variant Classification Scheme 2023. Collection method: clinical testing. Allele origin: germline.

NM_001131016.2(CIZ1):c.2322G>C (p.Glu774Asp)

Gene: CIZ1 (CDKN1A interacting zinc finger protein 1; minus strand). Cytogenetic location: 9q34.11.
Variant type: single nucleotide variant.
Coding change: c.2322G>C on transcript NM_001131016.2 (MANE Select); coding-DNA position 2322, G replaced by C.
Protein change: p.Glu774Asp; replaces glutamic acid 774 with aspartic acid.
Molecular consequence: missense variant.
Genome position (GRCh38, 1-based): chr9:128,167,138, C>G on the plus strand (G>C on the coding strand, the complement: CIZ1 is on the minus strand). VCF-style: chr9-128167138-C-G. GRCh37 (hg19) VCF-style: chr9-130929417-C-G.
Other names: c.2154G>C, p.Glu718Asp (NM_001131015.2); c.2139G>C, p.Glu713Asp (NM_001131017.2); c.2082G>C, p.Glu694Asp (NM_001131018.2); c.2490G>C, p.Glu830Asp (NM_001257975.2); c.2019G>C, p.Glu673Asp (NM_001257976.2); c.2322G>C, p.Glu774Asp (NM_012127.3); short protein forms E718D, E830D, E673D, E713D, E694D, E774D.
Identifiers: ClinVar variation 1999488 (VCV001999488.5), dbSNP rs2538726899, ClinGen allele CA375016418.